The following is an entry in ClinVar:

NM_205836.3(FBXO38):c.1670A>G (p.Glu557Gly)

Gene: FBXO38 (F-box protein 38; plus strand). Cytogenetic location: 5q32.
Variant type: single nucleotide variant.
Coding change: c.1670A>G on transcript NM_205836.3 (MANE Select); coding-DNA position 1670, A replaced by G.
Protein change: p.Glu557Gly; replaces glutamic acid 557 with glycine.
Molecular consequence: missense variant.
Genome position (GRCh38, 1-based): chr5:148,424,049, A>G. VCF-style: chr5-148424049-A-G. GRCh37 (hg19) VCF-style: chr5-147803612-A-G.
Other names: c.1670A>G, p.Glu557Gly (NM_001271723.2, NM_030793.5); short protein forms E557G.
Identifiers: ClinVar variation 2141334 (VCV002141334.4), dbSNP rs1003116892, ClinGen allele CA128948239.
Genomic context (GRCh38, chr5:148,424,049, plus strand): 5'-TCGTTGAAGCATTAAATGAGATGGAAGACATCGTCCAAGAAGATGGAGAGGTGGTGGCCG[A>G]GAGTGGAAATAATACTCCAGCTCACAGCCAGGCAATTATTCCTGTGGATGTTGATGAGGA-3'
Protein context (NP_995308.1, residues 547-567): IVQEDGEVVA[Glu557Gly]SGNNTPAHSQ

ClinVar aggregate classification (germline): Uncertain significance (1 of 4 stars; one submission).

Conditions:
Distal hereditary motor neuropathy type 2. Identifiers: Orphanet 139525, MedGen C3711384, MeSH C580044, MONDO:0015352.

Allele frequency attached by ClinVar (database versions not stated): gnomAD 0.00001; gnomAD exomes 0.00001; TOPMed 0.00001.
gnomAD v4.1: 7 of 1,613,538 alleles (0.00043%); highest among the groups gnomAD compares: Middle Eastern, 0.016%; no homozygotes.

Submission:

Labcorp Genetics (formerly Invitae), Labcorp
Classification: Uncertain significance for Distal hereditary motor neuropathy type 2. Last evaluated: 2022-09-05. Review status: criteria provided, single submitter. Criteria: Invitae Variant Classification Sherloc (09022015). Collection method: clinical testing. Allele origin: germline.
Comment: This sequence change replaces glutamic acid, which is acidic and polar, with glycine, which is neutral and non-polar, at codon 557 of the FBXO38 protein (p.Glu557Gly). This variant is not present in population databases (gnomAD no frequency). This variant has not been reported in the literature in individuals affected with FBXO38-related conditions. Algorithms developed to predict the effect of missense changes on protein structure and function (SIFT, PolyPhen-2, Align-GVGD) all suggest that this variant is likely to be tolerated. In summary, the available evidence is currently insufficient to determine the role of this variant in disease. Therefore, it has been classified as a Variant of Uncertain Significance.